The following is an entry in ClinVar:

NM_001365276.2(TNXB):c.7337A>G (p.Lys2446Arg)

Gene: TNXB (tenascin XB; minus strand). Cytogenetic location: 6p21.33.
Variant type: single nucleotide variant.
Coding change: c.7337A>G on transcript NM_001365276.2 (MANE Select); coding-DNA position 7337, A replaced by G.
Protein change: p.Lys2446Arg; replaces lysine 2446 with arginine.
Molecular consequence: missense variant.
Genome position (GRCh38, 1-based): chr6:32,061,552, T>C on the plus strand (A>G on the coding strand, the complement: TNXB is on the minus strand). VCF-style: chr6-32061552-T-C. GRCh37 (hg19) VCF-style: chr6-32029329-T-C.
Other names: c.8078A>G, p.Lys2693Arg (NM_001428335.1); c.7337A>G, p.Lys2446Arg (NM_019105.8); short protein forms K2446R, K2693R.
Identifiers: ClinVar variation 3809290 (VCV003809290.1).

ClinVar aggregate classification (germline): Uncertain significance (1 of 4 stars; one submission).

Conditions:
Cardiovascular phenotype. Identifiers: MedGen CN230736.

gnomAD v4.1: 1 of 1,613,530 alleles (0.000062%); highest among the groups gnomAD compares: Non-Finnish European, 0.000085%; no homozygotes.

Submission:

Ambry Genetics
Classification: Uncertain significance for Cardiovascular phenotype. Last evaluated: 2025-02-10. Review status: criteria provided, single submitter. Criteria: Ambry Variant Classification Scheme 2023. Collection method: clinical testing. Allele origin: germline.
Comment: The p.K2446R variant (also known as c.7337A>G), located in coding exon 20 of the TNXB gene, results from an A to G substitution at nucleotide position 7337. The lysine at codon 2446 is replaced by arginine, an amino acid with highly similar properties. This amino acid position is conserved. In addition, this alteration is predicted to be tolerated by in silico analysis. Based on the available evidence, the clinical significance of this variant remains unclear.